The following is an entry in ClinVar:

NM_032447.5(FBN3):c.6639T>G (p.Asp2213Glu)

Gene: FBN3 (fibrillin 3; minus strand). Cytogenetic location: 19p13.2.
Variant type: single nucleotide variant.
Coding change: c.6639T>G on transcript NM_032447.5 (MANE Select); coding-DNA position 6639, T replaced by G.
Protein change: p.Asp2213Glu; replaces aspartic acid 2213 with glutamic acid.
Molecular consequence: missense variant.
Genome position (GRCh38, 1-based): chr19:8,087,192, A>C on the plus strand (T>G on the coding strand, the complement: FBN3 is on the minus strand). VCF-style: chr19-8087192-A-C. GRCh37 (hg19) VCF-style: chr19-8152076-A-C.
Other names: c.6639T>G, p.Asp2213Glu (NM_001321431.2); c.6639T>G (NM_032447.3); short protein forms D2213E.
Identifiers: ClinVar variation 1946783 (VCV001946783.6), dbSNP rs745946801, ClinGen allele CA9151189.

ClinVar aggregate classification (germline): Uncertain significance. Review status: criteria provided, multiple submitters, no conflicts (2 of 4 stars). 2 submissions from 2 submitters: Uncertain significance (2). Last evaluated 2024-10-22.

Allele frequency attached by ClinVar (database versions not stated): gnomAD 0.00001; ExAC 0.00002; TOPMed 0.00002.
gnomAD v4.1: 15 of 1,601,724 alleles (0.00094%); highest among the groups gnomAD compares: Non-Finnish European, 0.0013%; no homozygotes.

Submissions (2):

Labcorp Genetics (formerly Invitae), Labcorp
Classification: Uncertain significance. Last evaluated: 2024-10-22. Review status: criteria provided, single submitter. Criteria: Invitae Variant Classification Sherloc (09022015). Collection method: clinical testing. Allele origin: germline.
Comment: This sequence change replaces aspartic acid, which is acidic and polar, with glutamic acid, which is acidic and polar, at codon 2213 of the FBN3 protein (p.Asp2213Glu). This variant is present in population databases (rs745946801, gnomAD 0.005%). This variant has not been reported in the literature in individuals affected with FBN3-related conditions. ClinVar contains an entry for this variant (Variation ID: 1946783). An algorithm developed to predict the effect of missense changes on protein structure and function outputs the following: PolyPhen-2: "Benign". The glutamic acid amino acid residue is found in multiple mammalian species, which suggests that this missense change does not adversely affect protein function. In summary, the available evidence is currently insufficient to determine the role of this variant in disease. Therefore, it has been classified as a Variant of Uncertain Significance.

Ambry Genetics
Classification: Uncertain significance. Last evaluated: 2023-10-05. Review status: criteria provided, single submitter. Criteria: Ambry Variant Classification Scheme 2023. Collection method: clinical testing. Allele origin: germline.